The following is an entry in ClinVar:

NM_001267550.2(TTN):c.105735A>T (p.Glu35245Asp)

Genes: TTN-AS1 (TTN antisense RNA 1; plus strand), TTN (titin; minus strand), LOC129935183 (ATAC-STARR-seq lymphoblastoid active region 16808; plus strand). Cytogenetic location: 2q31.2.
Variant type: single nucleotide variant.
Coding change: c.105735A>T on transcript NM_001267550.2 (MANE Select); coding-DNA position 105735, A replaced by T.
Protein change: p.Glu35245Asp; replaces glutamic acid 35245 with aspartic acid.
Molecular consequence: missense variant.
Genome position (GRCh38, 1-based): chr2:178,530,880, T>A on the plus strand (A>T on the coding strand, the complement: TTN is on the minus strand). VCF-style: chr2-178530880-T-A. GRCh37 (hg19) VCF-style: chr2-179395607-T-A.
Other names: c.100812A>T, p.Glu33604Asp (NM_001256850.1); c.78540A>T, p.Glu26180Asp (NM_003319.4); c.98031A>T, p.Glu32677Asp (NM_133378.4); c.78915A>T, p.Glu26305Asp (NM_133432.3); c.79116A>T, p.Glu26372Asp (NM_133437.4); short protein forms E26180D, E26305D, E26372D, E32677D, E33604D, E35245D.
Identifiers: ClinVar variation 1010978 (VCV001010978.11), dbSNP rs1444816567, ClinGen allele CA349407933.

ClinVar aggregate classification (germline): Uncertain significance. Review status: criteria provided, multiple submitters, no conflicts (2 of 4 stars). 3 submissions from 3 submitters: Uncertain significance (3). Last evaluated 2025-09-24.

Conditions:
Dilated cardiomyopathy 1G (CMD1G). Identifiers: Orphanet 154, MedGen C1858763, MONDO:0011400, OMIM 604145.
Autosomal recessive limb-girdle muscular dystrophy type 2J (LGMDR10). Also called: Limb-girdle muscular dystrophy, type 2J; MUSCULAR DYSTROPHY, LIMB-GIRDLE, AUTOSOMAL RECESSIVE 10. Identifiers: Orphanet 140922, MedGen C1837342, MONDO:0012127, OMIM 608807.

Allele frequency attached by ClinVar (database versions not stated): TOPMed below 0.00001.

Submissions (3):

Labcorp Genetics (formerly Invitae), Labcorp
Classification: Uncertain significance for Dilated cardiomyopathy 1G; Autosomal recessive limb-girdle muscular dystrophy type 2J. Last evaluated: 2025-09-24. Review status: criteria provided, single submitter. Criteria: Invitae Variant Classification Sherloc (09022015). Collection method: clinical testing. Allele origin: germline.
Comment: This sequence change replaces glutamic acid, which is acidic and polar, with aspartic acid, which is acidic and polar, at codon 35245 of the TTN protein (p.Glu35245Asp). This variant is not present in population databases (gnomAD no frequency). This variant has not been reported in the literature in individuals affected with TTN-related conditions. ClinVar contains an entry for this variant (Variation ID: 1010978). Experimental studies and prediction algorithms are not available or were not evaluated, and the functional significance of this variant is currently unknown. This variant is located in the M band of TTN (PMID: 25589632). Non-truncating variants in this region may be relevant for neuromuscular disorders, but have not been definitively shown to cause cardiomyopathy (PMID: 23975875). In summary, the available evidence is currently insufficient to determine the role of this variant in disease. Therefore, it has been classified as a Variant of Uncertain Significance.

Women's Health and Genetics/Laboratory Corporation of America, LabCorp
Classification: Uncertain significance. Last evaluated: 2022-06-16. Review status: criteria provided, single submitter. Criteria: LabCorp Variant Classification Summary - May 2015. Collection method: clinical testing. Allele origin: germline.
Comment: Variant summary: TTN c.98031A>T (p.Glu32677Asp) results in a conservative amino acid change located in the M-band of the encoded protein sequence. Five of five in-silico tools predict a benign effect of the variant on protein function. The variant was absent in 248948 control chromosomes. The available data on variant occurrences in the general population are insufficient to allow any conclusion about variant significance. To our knowledge, no occurrence of c.98031A>T in individuals affected with Dilated Cardiomyopathy and no experimental evidence demonstrating its impact on protein function have been reported. Two clinical diagnostic laboratories have submitted clinical-significance assessments for this variant to ClinVar after 2014 without evidence for independent evaluation. All laboratories classified the variant as uncertain significance. Based on the evidence outlined above, the variant was classified as uncertain significance.

GeneDx
Classification: Uncertain significance. Last evaluated: 2020-03-31. Review status: criteria provided, single submitter. Criteria: GeneDx Variant Classification Process June 2021. Collection method: clinical testing. Allele origin: germline. Affected: yes.

Literature cited by the submitters: PubMed 25589632 (cited by Labcorp Genetics (formerly Invitae), Labcorp); PubMed 23975875 (cited by Labcorp Genetics (formerly Invitae), Labcorp).